The following is an entry in ClinVar:

NM_020041.3(SLC2A9):c.1035del (p.Ala346fs)

Gene: SLC2A9 (solute carrier family 2 member 9; minus strand). Cytogenetic location: 4p16.1.
Variant type: Deletion.
Coding change: c.1035del on transcript NM_020041.3 (MANE Select); coding-DNA position 1035, one base deleted (A; older notation c.1035delA).
Protein change: p.Ala346fs; shifts the reading frame from alanine 346.
Molecular consequence: frameshift variant.
Genome position (GRCh38, 1-based): chr4:9,908,313, T deleted on the plus strand (A on the coding strand, the reverse complement: SLC2A9 is on the minus strand); the first of 4 consecutive T bases (chr4:9,908,313-9,908,316); deleting any one gives the same sequence. VCF-style (leftmost placement, unchanged base first): chr4-9908312-CT-C. GRCh37 (hg19) VCF-style: chr4-9909936-CT-C.
Other names: c.948del, p.Ala317fs (NM_001001290.2); short protein forms A317fs, A346fs.
Identifiers: ClinVar variation 1879601 (VCV001879601.29), dbSNP rs2546444914, ClinGen allele CA2549019611.

ClinVar aggregate classification (germline): Likely pathogenic (1 of 4 stars; one submission).

Submission:

CeGaT Center for Human Genetics Tuebingen
Classification: Likely pathogenic. Last evaluated: 2023-03-01. Review status: criteria provided, single submitter. Criteria: CeGaT Center For Human Genetics Tuebingen Variant Classification Criteria Version 2. Collection method: clinical testing. Allele origin: germline. Affected: yes. Observed: 3 variant alleles.
Comment: SLC2A9: PM2, PM3, PVS1:Moderate